The following is an entry in ClinVar:

ClinVar aggregate classification (germline): Pathogenic (1 of 4 stars; one submission).

Conditions:
Congenital myasthenic syndrome 20. Also called: Myasthenic syndrome, congenital, 20, presynaptic. Identifiers: MedGen C4310694, MONDO:0014939, OMIM 617143.
Neuronopathy, distal hereditary motor, type 7A. Also called: Neuronopathy, distal hereditary motor, type viia; HARPER-YOUNG MYOPATHY; HMN VIIA; NEURONOPATHY, DISTAL HEREDITARY MOTOR, HARDING TYPE VIIA; NEUROPATHY, DISTAL HEREDITARY MOTOR, HARDING TYPE VIIA; Neuronopathy, distal hereditary motor, autosomal dominant 7. Identifiers: Orphanet 139589, MedGen C1834703, MONDO:0008024, OMIM 158580.

Submission:

Labcorp Genetics (formerly Invitae), Labcorp
Classification: Pathogenic for Neuronopathy, distal hereditary motor, type 7A; Congenital myasthenic syndrome 20. Last evaluated: 2024-09-29. Review status: criteria provided, single submitter. Criteria: Invitae Variant Classification Sherloc (09022015). Collection method: clinical testing. Allele origin: germline.
Comment: This sequence change creates a premature translational stop signal (p.Trp240*) in the SLC5A7 gene. It is expected to result in an absent or disrupted protein product. Loss-of-function variants in SLC5A7 are known to be pathogenic (PMID: 15173594, 27569547, 39135055). This variant is not present in population databases (gnomAD no frequency). This variant has not been reported in the literature in individuals affected with SLC5A7-related conditions. Algorithms developed to predict the effect of sequence changes on RNA splicing suggest that this variant may disrupt the consensus splice site. For these reasons, this variant has been classified as Pathogenic.

Literature cited by the submitters: PubMed 15173594; PubMed 27569547; PubMed 39135055.

NM_021815.5(SLC5A7):c.719G>A (p.Trp240Ter)

Gene: SLC5A7 (solute carrier family 5 member 7; plus strand). Cytogenetic location: 2q12.3.
Variant type: single nucleotide variant.
Coding change: c.719G>A on transcript NM_021815.5 (MANE Select); coding-DNA position 719, G replaced by A.
Protein change: p.Trp240Ter; replaces tryptophan 240 with a stop codon.
Molecular consequence: nonsense. On other transcripts: 5 prime UTR variant (1).
Genome position (GRCh38, 1-based): chr2:108,002,018, G>A. VCF-style: chr2-108002018-G-A. GRCh37 (hg19) VCF-style: chr2-108618474-G-A.
Other names: c.719G>A, p.Trp240Ter (NM_001305005.3); c.404G>A, p.Trp135Ter (NM_001305006.3); c.-23G>A (NM_001305007.3); short protein forms W135*, W240*.
Identifiers: ClinVar variation 3752933 (VCV003752933.2).
Genomic context (GRCh38, chr2:108,002,018, plus strand): 5'-TGCATGCCAAATACCAAAAGCCGTGGCTGGGAACTGTTGACTCATCTGAAGTCTACTCTT[G>A]GCTTGATAGTTTTCTGTTGTTGGTAAGTAATGCTCTTACCTGAAGAATGTGATTTAATTG-3'